The following is an entry in ClinVar:

NM_000321.3(RB1):c.2027T>G (p.Leu676Ter)

Gene: RB1 (RB transcriptional corepressor 1; plus strand). Cytogenetic location: 13q14.2.
Variant type: single nucleotide variant.
Coding change: c.2027T>G on transcript NM_000321.3 (MANE Select); coding-DNA position 2027, T replaced by G.
Protein change: p.Leu676Ter; replaces leucine 676 with a stop codon.
Molecular consequence: nonsense.
Genome position (GRCh38, 1-based): chr13:48,459,754, T>G. VCF-style: chr13-48459754-T-G. GRCh37 (hg19) VCF-style: chr13-49033890-T-G.
Other names: short protein forms L676*.
Identifiers: ClinVar variation 858699 (VCV000858699.11), dbSNP rs1566235448, ClinGen allele CA388166792.

ClinVar aggregate classification (germline): Pathogenic. Review status: criteria provided, multiple submitters, no conflicts (2 of 4 stars). 3 submissions from 3 submitters: Pathogenic (3). Last evaluated 2024-05-20.

Conditions:
Retinoblastoma (RB1). Also called: RETINOBLASTOMA, SOMATIC. Identifiers: Orphanet 790, MedGen C0035335, MeSH D012175, MONDO:0008380, OMIM 180200, HP:0009919. Disease mechanism: loss of function. Inheritance: Both sporadic and heritable forms are tested..

Submissions (3):

Genetic Diagnostic Laboratory, University of Pennsylvania School of Medicine
Classification: Pathogenic for Retinoblastoma. Last evaluated: 2024-05-20. Review status: criteria provided, single submitter. Criteria: ACMG Guidelines, 2015. Collection method: clinical testing. Allele origin: germline. Affected: yes. Observed: 1 variant allele.
Comment: Case and Pedigree Information: BILATERAL CASES:1, UNILATERAL CASES:0, TOTAL CASES:1, PEDIGREES:1. ACMG Codes Applied:PVS1, PM2

GeneDx
Classification: Pathogenic. Last evaluated: 2022-07-13. Review status: criteria provided, single submitter. Criteria: GeneDx Variant Classification Process June 2021. Collection method: clinical testing. Allele origin: germline. Affected: yes.
Comment: Nonsense variant predicted to result in protein truncation or nonsense mediated decay in a gene for which loss of function is a known mechanism of disease; Not observed at significant frequency in large population cohorts (gnomAD); Identified in patients with retinoblastoma referred for genetic testing at GeneDx and in published literature (Richter et al., 2003); This variant is associated with the following publications: (PMID: 12541220)

Labcorp Genetics (formerly Invitae), Labcorp
Classification: Pathogenic for Retinoblastoma. Last evaluated: 2021-05-28. Review status: criteria provided, single submitter. Criteria: Invitae Variant Classification Sherloc (09022015). Collection method: clinical testing. Allele origin: germline.
Comment: For these reasons, this variant has been classified as Pathogenic. Loss-of-function variants in RB1 are known to be pathogenic (PMID: 17096365). This variant has been observed in an individual affected with retinoblastoma (PMID: 12541220). This variant is not present in population databases (ExAC no frequency). This sequence change creates a premature translational stop signal (p.Leu676*) in the RB1 gene. It is expected to result in an absent or disrupted protein product.

Literature cited by the submitters: PubMed 17096365 (cited by Labcorp Genetics (formerly Invitae), Labcorp); PubMed 12541220 (cited by Labcorp Genetics (formerly Invitae), Labcorp).